The following is an entry in ClinVar:

ClinVar aggregate classification (germline): Uncertain significance (1 of 4 stars; one submission).

Conditions:
Pitt-Hopkins-like syndrome 2 (PTHSL2). Identifiers: Orphanet 221150, Orphanet 600663, MedGen C3280479, MONDO:0013690, OMIM 614325.

Allele frequency attached by ClinVar (database versions not stated): gnomAD exomes below 0.00001.
gnomAD v4.1: 1 of 1,613,806 alleles (0.000062%); highest among the groups gnomAD compares: Non-Finnish European, 0.000085%; no homozygotes.

Submission:

Labcorp Genetics (formerly Invitae), Labcorp
Classification: Uncertain significance for Pitt-Hopkins-like syndrome 2. Last evaluated: 2022-12-02. Review status: criteria provided, single submitter. Criteria: Invitae Variant Classification Sherloc (09022015). Collection method: clinical testing. Allele origin: germline.
Comment: In summary, the available evidence is currently insufficient to determine the role of this variant in disease. Therefore, it has been classified as a Variant of Uncertain Significance. Algorithms developed to predict the effect of missense changes on protein structure and function are either unavailable or do not agree on the potential impact of this missense change (SIFT: "Tolerated"; PolyPhen-2: "Possibly Damaging"; Align-GVGD: "Class C0"). This variant has not been reported in the literature in individuals affected with NRXN1-related conditions. This variant is not present in population databases (gnomAD no frequency). This sequence change replaces tyrosine, which is neutral and polar, with histidine, which is basic and polar, at codon 678 of the NRXN1 protein (p.Tyr678His).

NM_001330078.2(NRXN1):c.1912T>C (p.Tyr638His)

Gene: NRXN1 (neurexin 1; minus strand). Cytogenetic location: 2p16.3.
Variant type: single nucleotide variant.
Coding change: c.1912T>C on transcript NM_001330078.2 (MANE Select); coding-DNA position 1912, T replaced by C.
Protein change: p.Tyr638His; replaces tyrosine 638 with histidine.
Molecular consequence: missense variant.
Genome position (GRCh38, 1-based): chr2:50,538,484, A>G on the plus strand (T>C on the coding strand, the complement: NRXN1 is on the minus strand). VCF-style: chr2-50538484-A-G. GRCh37 (hg19) VCF-style: chr2-50765622-A-G.
Other names: c.2032T>C, p.Tyr678His (NM_001135659.3); c.1888T>C, p.Tyr630His (NM_001330077.2, NM_001330082.2, NM_001330095.2); c.1873T>C, p.Tyr625His (NM_001330083.2, NM_001330084.2); c.1912T>C, p.Tyr638His (NM_001330085.2, NM_001330086.2, NM_004801.6); c.1828T>C, p.Tyr610His (NM_001330087.2, NM_001330096.2); c.1858T>C, p.Tyr620His (NM_001330088.2); c.1909T>C, p.Tyr637His (NM_001330093.2); c.1900T>C, p.Tyr634His (NM_001330094.2); short protein forms Y620H, Y630H, Y638H, Y678H, Y610H, Y625H, Y634H, Y637H.
Identifiers: ClinVar variation 2818058 (VCV002818058.3), dbSNP rs2465667698, ClinGen allele CA346771059.
Genomic context (GRCh38, chr2:50,538,484, plus strand): 5'-GCCGGATATCTTTGCTTTGGCCATCGATGAACAAATCCCTGATGCAGCCCACGTAGCCAT[A>G]GTTGAGCAGAGCAGTCCACACCTCGGTGGGGAAGACAAGGCCAGCTTTATTTTCTGGCAG-3'
Protein context (NP_001317007.1, residues 628-648): PTEVWTALLN[Tyr638His]GYVGCIRDLF